The following is an entry in ClinVar:

ClinVar aggregate classification (germline): Uncertain significance. Review status: criteria provided, multiple submitters, no conflicts (2 of 4 stars). 2 submissions from 2 submitters: Uncertain significance (2). Last evaluated 2025-03-22.

Conditions:
Epidermolysis bullosa simplex with nail dystrophy (EBS5D). Identifiers: MedGen C4225309, MONDO:0014661, OMIM 616487.
Epidermolysis bullosa simplex 5B, with muscular dystrophy (EBS5B). Also called: EPIDERMOLYSIS BULLOSA SIMPLEX AND LIMB-GIRDLE MUSCULAR DYSTROPHY; Epidermolysis bullosa simplex with muscular dystrophy. Identifiers: Orphanet 257, MedGen C2931072, MONDO:0009181, OMIM 226670.
Epidermolysis bullosa simplex 5C, with pyloric atresia (EBS5C). Also called: PLEC-Related Epidermolysis Bullosa with Pyloric Atresia; Epidermolysis bullosa simplex with pyloric atresia; PLEC1-Related Epidermolysis Bullosa with Pyloric Atresia. Identifiers: Orphanet 158684, MedGen C2677349, MONDO:0012807, OMIM 612138.
Autosomal recessive limb-girdle muscular dystrophy type 2Q (LGMDR17). Also called: MUSCULAR DYSTROPHY, LIMB-GIRDLE, AUTOSOMAL RECESSIVE 17. Identifiers: Orphanet 254361, MedGen C3150989, MONDO:0013390, OMIM 613723.
Epidermolysis bullosa simplex, Ogna type (EBS5A). Also called: Pidermolysis bullosa simplex 5A, Ogna type; EPIDERMOLYSIS BULLOSA SIMPLEX 5A, OGNA TYPE. Identifiers: Orphanet 79401, MedGen C0432317, MONDO:0007555, OMIM 131950.
Inborn genetic diseases. Identifiers: MedGen C0950123, MeSH D030342.

gnomAD v4.1: 7 of 1,562,468 alleles (0.00045%); highest among the groups gnomAD compares: African/African-American, 0.0081%; no homozygotes.

Submissions (2):

Ambry Genetics
Classification: Uncertain significance for Inborn genetic diseases. Last evaluated: 2025-03-22. Review status: criteria provided, single submitter. Criteria: Ambry Variant Classification Scheme 2023. Collection method: clinical testing. Allele origin: germline.

Labcorp Genetics (formerly Invitae), Labcorp
Classification: Uncertain significance for Autosomal recessive limb-girdle muscular dystrophy type 2Q; Epidermolysis bullosa simplex, Ogna type; Epidermolysis bullosa simplex with nail dystrophy; Epidermolysis bullosa simplex 5C, with pyloric atresia; Epidermolysis bullosa simplex 5B, with muscular dystrophy. Last evaluated: 2024-10-15. Review status: criteria provided, single submitter. Criteria: Invitae Variant Classification Sherloc (09022015). Collection method: clinical testing. Allele origin: germline.
Comment: This sequence change replaces arginine, which is basic and polar, with leucine, which is neutral and non-polar, at codon 1660 of the PLEC protein (p.Arg1660Leu). The frequency data for this variant in the population databases is considered unreliable, as metrics indicate poor data quality at this position in the gnomAD database. This variant has not been reported in the literature in individuals affected with PLEC-related conditions. Invitae Evidence Modeling of protein sequence and biophysical properties (such as structural, functional, and spatial information, amino acid conservation, physicochemical variation, residue mobility, and thermodynamic stability) has been performed for this missense variant. However, the output from this modeling did not meet the statistical confidence thresholds required to predict the impact of this variant on PLEC protein function. In summary, the available evidence is currently insufficient to determine the role of this variant in disease. Therefore, it has been classified as a Variant of Uncertain Significance.

NM_201384.3(PLEC):c.4898G>T (p.Arg1633Leu)

Gene: PLEC (plectin; minus strand). Cytogenetic location: 8q24.3.
Variant type: single nucleotide variant.
Coding change: c.4898G>T on transcript NM_201384.3 (MANE Select); coding-DNA position 4898, G replaced by T.
Protein change: p.Arg1633Leu; replaces arginine 1633 with leucine.
Molecular consequence: missense variant. On other transcripts: intron variant (1).
Genome position (GRCh38, 1-based): chr8:143,925,031, C>A on the plus strand (G>T on the coding strand, the complement: PLEC is on the minus strand). VCF-style: chr8-143925031-C-A. GRCh37 (hg19) VCF-style: chr8-144999199-C-A.
Other names: c.4979G>T, p.Arg1660Leu (NM_000445.5); c.4856G>T, p.Arg1619Leu (NM_201378.4); c.4832G>T, p.Arg1611Leu (NM_201379.3); c.5309G>T, p.Arg1770Leu (NM_201380.4); c.4802G>T, p.Arg1601Leu (NM_201381.3); c.4898G>T, p.Arg1633Leu (NM_201382.4); c.4910G>T, p.Arg1637Leu (NM_201383.3); c.4125+1753G>T (NM_001410941.1); and 1 more; short protein forms R1601L, R1611L, R1660L, R1619L, R1637L, R1770L, R1633L.
Identifiers: ClinVar variation 2931292 (VCV002931292.4), dbSNP rs782039716, ClinGen allele CA372551859.
Genomic context (GRCh38, chr8:143,925,031, plus strand): 5'-TGCGCCACCTCCTCCGCCTGCAGCCGCAGCCGTAGCGCCTCGTTGGCCTTGAGCTGCCAG[C>A]GCTCCAGCTCCCGCTCTGCCTCCTCGCGCGCCCGCTCGGCCTCGGCCTGCTGCTGTGCCC-3'
Protein context (NP_958786.1, residues 1623-1643): AREEAERELE[Arg1633Leu]WQLKANEALR